The following is an entry in ClinVar:

ClinVar aggregate classification (germline): Uncertain significance (1 of 4 stars; one submission).

Submission:

GeneDx
Classification: Uncertain significance. Last evaluated: 2024-07-11. Review status: criteria provided, single submitter. Criteria: GeneDx Variant Classification Process June 2021. Collection method: clinical testing. Allele origin: germline. Affected: yes.
Comment: Not observed at significant frequency in large population cohorts (gnomAD); In silico analysis indicates that this missense variant does not alter protein structure/function; Has not been previously published as pathogenic or benign to our knowledge

NM_014233.4(UBTF):c.148G>A (p.Glu50Lys)

Genes: ATXN7L3-AS1 (ATXN7L3 antisense RNA 1; plus strand), UBTF (upstream binding transcription factor; minus strand). Cytogenetic location: 17q21.31.
Variant type: single nucleotide variant.
Coding change: c.148G>A on transcript NM_014233.4 (MANE Select); coding-DNA position 148, G replaced by A.
Protein change: p.Glu50Lys; replaces glutamic acid 50 with lysine.
Molecular consequence: missense variant. On other transcripts: non-coding transcript variant (1).
Genome position (GRCh38, 1-based): chr17:44,216,615, C>T on the plus strand (G>A on the coding strand, the complement: UBTF is on the minus strand). VCF-style: chr17-44216615-C-T. GRCh37 (hg19) VCF-style: chr17-42293983-C-T.
Other names: c.148G>A, p.Glu50Lys (NM_001076683.2, NM_001076684.3); short protein forms E50K.
Identifiers: ClinVar variation 3252338 (VCV003252338.1), dbSNP rs1260565805.